The following is an entry in ClinVar:

ClinVar aggregate classification (germline): Uncertain significance. Review status: criteria provided, multiple submitters, no conflicts (2 of 4 stars). 3 submissions from 3 submitters: Uncertain significance (3). Last evaluated 2025-02-03.

Conditions:
Spermatogenic failure 18. Identifiers: MedGen C4539783, MONDO:0054615, OMIM 617576.
Ciliary dyskinesia, primary, 37 (CILD37). Also called: CILIARY DYSKINESIA, PRIMARY, 37, WITH OR WITHOUT SITUS INVERSUS. Identifiers: MedGen C4539798, MONDO:0033204, OMIM 617577.

Allele frequency attached by ClinVar (database versions not stated): ExAC 0.00009; gnomAD exomes 0.00021 and 0.00018; ESP Exome Variant Server 0.00025; gnomAD 0.00025 and 0.00026; TOPMed 0.00020.
gnomAD v4.1: 338 of 1,551,874 alleles (0.022%); highest among the groups gnomAD compares: African/African-American, 0.023%; no homozygotes.

Submissions (3):

Labcorp Genetics (formerly Invitae), Labcorp
Classification: Uncertain significance for Ciliary dyskinesia, primary, 37; Spermatogenic failure 18. Last evaluated: 2025-02-03. Review status: criteria provided, single submitter. Criteria: Invitae Variant Classification Sherloc (09022015). Collection method: clinical testing. Allele origin: germline.
Comment: This sequence change replaces asparagine, which is neutral and polar, with serine, which is neutral and polar, at codon 3213 of the DNAH1 protein (p.Asn3213Ser). This variant is present in population databases (rs199560640, gnomAD 0.04%). This missense change has been observed in individual(s) with clinical features of primary ciliary dyskinesia (internal data). ClinVar contains an entry for this variant (Variation ID: 478515). Invitae Evidence Modeling of protein sequence and biophysical properties (such as structural, functional, and spatial information, amino acid conservation, physicochemical variation, residue mobility, and thermodynamic stability) indicates that this missense variant is not expected to disrupt DNAH1 protein function with a negative predictive value of 80%. In summary, the available evidence is currently insufficient to determine the role of this variant in disease. Therefore, it has been classified as a Variant of Uncertain Significance.

Blueprint Genetics
Classification: Uncertain significance. Last evaluated: 2024-11-07. Review status: criteria provided, single submitter. Criteria: ACMG Guidelines, 2015. Collection method: clinical testing. Allele origin: germline.

Fulgent Genetics
Classification: Uncertain significance for Spermatogenic failure 18; Ciliary dyskinesia, primary, 37. Last evaluated: 2021-11-03. Review status: criteria provided, single submitter. Criteria: ACMG Guidelines, 2015. Collection method: clinical testing. Allele origin: unknown.

NM_015512.5(DNAH1):c.9638A>G (p.Asn3213Ser)

Gene: DNAH1 (dynein axonemal heavy chain 1; plus strand). Cytogenetic location: 3p21.1.
Variant type: single nucleotide variant.
Coding change: c.9638A>G on transcript NM_015512.5 (MANE Select); coding-DNA position 9638, A replaced by G.
Protein change: p.Asn3213Ser; replaces asparagine 3213 with serine.
Molecular consequence: missense variant.
Genome position (GRCh38, 1-based): chr3:52,390,951, A>G. VCF-style: chr3-52390951-A-G. GRCh37 (hg19) VCF-style: chr3-52424967-A-G.
Other names: short protein forms N3213S.
Identifiers: ClinVar variation 478515 (VCV000478515.9), dbSNP rs199560640, ClinGen allele CA2435584.